The following is an entry in ClinVar:

ClinVar aggregate classification (germline): Likely pathogenic (1 of 4 stars; one submission).

Conditions:
Developmental and epileptic encephalopathy, 11 (DEE11). Also called: Early infantile epileptic encephalopathy 11. Identifiers: Orphanet 1934, MedGen C3150987, MONDO:0013388, OMIM 613721.
Seizures, benign familial infantile, 3 (BFIS3). Also called: CONVULSIONS, BENIGN FAMILIAL INFANTILE, 3; Familial neonatal seizures. Identifiers: Orphanet 140927, Orphanet 306, MedGen C1843140, MONDO:0011904, OMIM 607745.

Submission:

Labcorp Genetics (formerly Invitae), Labcorp
Classification: Likely pathogenic for Seizures, benign familial infantile, 3; Developmental and epileptic encephalopathy, 11. Last evaluated: 2023-04-12. Review status: criteria provided, single submitter. Criteria: Invitae Variant Classification Sherloc (09022015). Collection method: clinical testing. Allele origin: unknown.
Comment: In summary, the currently available evidence indicates that the variant is pathogenic, but additional data are needed to prove that conclusively. Therefore, this variant has been classified as Likely Pathogenic. This variant has not been reported in the literature in individuals affected with SCN2A-related conditions. This variant results in the deletion of part of exon 22 and exon 23 of the SCN2A gene. It is expected to disrupt RNA splicing. Variants that disrupt the donor or acceptor splice site typically lead to a loss of protein function (PMID: 16199547), and loss-of-function variants in SCN2A are known to be pathogenic (PMID: 28379373).

Literature cited by the submitters: PubMed 16199547; PubMed 28379373.

NC_000002.11:g.(?_166231283)_(166236819_?)del

Gene: SCN2A (sodium voltage-gated channel alpha subunit 2; plus strand). Cytogenetic location: 2q24.3.
Variant type: Deletion.
Identifiers: ClinVar variation 3247242 (VCV003247242.1).